The following is an entry in ClinVar:

ClinVar aggregate classification (germline): Conflicting classifications of pathogenicity. Review status: criteria provided, conflicting classifications (1 of 4 stars). 6 submissions from 6 submitters: Uncertain significance (5); Likely benign (1). Last evaluated 2026-01-20.

Conditions:
ALK-related disorder. Also called: ALK-related condition.
Hereditary cancer-predisposing syndrome. Also called: Neoplastic Syndromes, Hereditary; Tumor predisposition; Hereditary Cancer Syndrome; Hereditary neoplastic syndrome. Identifiers: Orphanet 140162, MedGen C0027672, MeSH D009386, MONDO:0015356.
Neuroblastoma, susceptibility to, 3. Also called: ALK-Related Neuroblastic Tumor Susceptibility. Identifiers: Orphanet 635, MedGen C2751681, MONDO:0013083, OMIM 613014.

Allele frequency attached by ClinVar (database versions not stated): gnomAD exomes 0.00003 and 0.00008; gnomAD 0.00005; TOPMed 0.00005; ExAC 0.00008.
gnomAD v4.1: 123 of 1,611,302 alleles (0.0076%); highest among the groups gnomAD compares: African/African-American, 0.012%; no homozygotes.

Submissions (6):

Labcorp Genetics (formerly Invitae), Labcorp
Classification: Uncertain significance for Neuroblastoma, susceptibility to, 3. Last evaluated: 2026-01-20. Review status: criteria provided, single submitter. Criteria: Invitae Variant Classification Sherloc (09022015). Collection method: clinical testing. Allele origin: germline.
Comment: This sequence change replaces arginine, which is basic and polar, with glutamine, which is neutral and polar, at codon 69 of the ALK protein (p.Arg69Gln). This variant is present in population databases (rs769061878, gnomAD 0.02%). This variant has not been reported in the literature in individuals affected with ALK-related conditions. ClinVar contains an entry for this variant (Variation ID: 404392). An algorithm developed to predict the effect of missense changes on protein structure and function (PolyPhen-2) suggests that this variant is likely to be disruptive. In summary, the available evidence is currently insufficient to determine the role of this variant in disease. Therefore, it has been classified as a Variant of Uncertain Significance.

PreventionGenetics, part of Exact Sciences
Classification: Uncertain significance for ALK-related condition. Last evaluated: 2025-12-26. Review status: criteria provided, single submitter. Criteria: ACMG Guidelines, 2015. Collection method: clinical testing. Allele origin: germline.
Comment: The ALK c.206G>A variant is predicted to result in the amino acid substitution p.Arg69Gln. To our knowledge, this variant has not been reported in the literature. This variant is reported in 0.021% of alleles in individuals of African descent in gnomAD and has conflicting interpretations in ClinVar ranging from likely benign to uncertain (Variation ID: 404392). At this time, the clinical significance of this variant is uncertain due to the absence of conclusive functional and genetic evidence.

GeneDx
Classification: Uncertain significance. Last evaluated: 2024-09-16. Review status: criteria provided, single submitter. Criteria: GeneDx Variant Classification Process June 2021. Collection method: clinical testing. Allele origin: germline. Affected: yes.
Comment: Has not been previously published as pathogenic or benign to our knowledge; In silico analysis indicates that this missense variant does not alter protein structure/function

Ambry Genetics
Classification: Likely benign for Hereditary cancer-predisposing syndrome. Last evaluated: 2024-08-20. Review status: criteria provided, single submitter. Criteria: Ambry Variant Classification Scheme 2023. Collection method: clinical testing. Allele origin: germline.

Baylor Genetics
Classification: Uncertain significance for Neuroblastoma, susceptibility to, 3. Last evaluated: 2023-11-23. Review status: criteria provided, single submitter. Criteria: ACMG Guidelines, 2015. Collection method: clinical testing. Allele origin: unknown.

Sema4
Classification: Uncertain significance for Hereditary cancer-predisposing syndrome. Last evaluated: 2021-04-19. Review status: criteria provided, single submitter. Criteria: Sema4 Curation Guidelines. Collection method: curation. Allele origin: germline.
Comment: The ALK c.206G>A (p.R69Q) variant has not been reported in individuals with ALK-related disease to our knowledge. It was observed in 5/23876 chromosomes of the African/African American subpopulation in the large and broad cohorts of the Genome Aggregation Database (PMID: 32461654). This variant has been reported in ClinVar (Variation ID 404392). Functional studies have not been performed, and in silico predictions of the variant's effect on protein function are inconclusive. The evidence is insufficient to meet ACMG/AMP criteria for classifying the variant as benign or pathogenic. Thus, the clinical significance of this variant is currently uncertain.

NM_004304.5(ALK):c.206G>A (p.Arg69Gln)

Gene: ALK (ALK receptor tyrosine kinase; minus strand). Cytogenetic location: 2p23.1.
Variant type: single nucleotide variant.
Coding change: c.206G>A on transcript NM_004304.5 (MANE Select); coding-DNA position 206, G replaced by A.
Protein change: p.Arg69Gln; replaces arginine 69 with glutamine.
Molecular consequence: missense variant.
Genome position (GRCh38, 1-based): chr2:29,920,454, C>T on the plus strand (G>A on the coding strand, the complement: ALK is on the minus strand). VCF-style: chr2-29920454-C-T. GRCh37 (hg19) VCF-style: chr2-30143320-C-T.
Other names: short protein forms R69Q.
Identifiers: ClinVar variation 404392 (VCV000404392.15), dbSNP rs769061878, ClinGen allele CA1595025.